The following is an entry in ClinVar:

NM_020937.4(FANCM):c.4118T>G (p.Phe1373Cys)

Gene: FANCM (FA complementation group M; plus strand). Cytogenetic location: 14q21.2.
Variant type: single nucleotide variant.
Coding change: c.4118T>G on transcript NM_020937.4 (MANE Select); coding-DNA position 4118, T replaced by G.
Protein change: p.Phe1373Cys; replaces phenylalanine 1373 with cysteine.
Molecular consequence: missense variant.
Genome position (GRCh38, 1-based): chr14:45,176,872, T>G. VCF-style: chr14-45176872-T-G. GRCh37 (hg19) VCF-style: chr14-45646075-T-G.
Other names: c.4040T>G, p.Phe1347Cys (NM_001308133.2); short protein forms F1347C, F1373C.
Identifiers: ClinVar variation 4254628 (VCV004254628.1).

ClinVar aggregate classification (germline): Uncertain significance (1 of 4 stars; one submission).

Conditions:
Inborn genetic diseases. Identifiers: MedGen C0950123, MeSH D030342.

Submission:

Ambry Genetics
Classification: Uncertain significance for Inborn genetic diseases. Last evaluated: 2025-07-31. Review status: criteria provided, single submitter. Criteria: Ambry Variant Classification Scheme 2023. Collection method: clinical testing. Allele origin: germline.
Comment: The p.F1373C variant (also known as c.4118T>G), located in coding exon 14 of the FANCM gene, results from a T to G substitution at nucleotide position 4118. The phenylalanine at codon 1373 is replaced by cysteine, an amino acid with highly dissimilar properties. This amino acid position is conserved. In addition, this alteration is predicted to be tolerated by in silico analysis. Based on the available evidence, the clinical significance of this variant remains unclear.